The following is an entry in ClinVar:

NM_000535.7(PMS2):c.1308C>G (p.Ser436Arg)

Gene: PMS2 (PMS1 homolog 2, mismatch repair system component; minus strand). Cytogenetic location: 7p22.1.
Variant type: single nucleotide variant.
Coding change: c.1308C>G on transcript NM_000535.7 (MANE Select); coding-DNA position 1308, C replaced by G.
Protein change: p.Ser436Arg; replaces serine 436 with arginine.
Molecular consequence: missense variant. On other transcripts: non-coding transcript variant (1), intron variant (1).
Genome position (GRCh38, 1-based): chr7:5,987,457, G>C on the plus strand (C>G on the coding strand, the complement: PMS2 is on the minus strand). VCF-style: chr7-5987457-G-C. GRCh37 (hg19) VCF-style: chr7-6027088-G-C.
Other names: c.903C>G, p.Ser301Arg (NM_001018040.1, NM_001322003.2, NM_001322004.2 and 17 more transcripts); c.1152C>G, p.Ser384Arg (NM_001322006.2, NM_001406870.1); c.990C>G, p.Ser330Arg (NM_001322007.2, NM_001322008.2, NM_001406876.1 and 2 more transcripts); c.747C>G, p.Ser249Arg (NM_001322010.2, NM_001406906.1, NM_001406907.1); c.375C>G, p.Ser125Arg (NM_001322011.2, NM_001322012.2); c.735C>G, p.Ser245Arg (NM_001322013.2, NM_001406909.1); c.1308C>G, p.Ser436Arg (NM_001322014.2, NM_001406871.1, NM_001406872.1); c.999C>G, p.Ser333Arg (NM_001322015.2, NM_001406875.1, NM_001406877.1 and 5 more transcripts); and 13 more; short protein forms S265R, S281R, S314R, S324R, S328R, S498R, S179R, S301R.
Identifiers: ClinVar variation 2791119 (VCV002791119.4), dbSNP rs2128733787, ClinGen allele CA366742365.
Genomic context (GRCh38, chr7:5,987,457, plus strand): 5'-AGAAGACAGCATACCCCTTTTCTGTCCTAGAGGGCTCCTTCTTGGTTCTGGAGTCTTTGG[G>C]CTGTGAGGCTTGTTCTCTGTTGTGTGACGAAGAGAAAAGGCCTCTCGCAGTCTGGAAATG-3'
Protein context (NP_000526.2, residues 426-446): LRHTTENKPH[Ser436Arg]PKTPEPRRSP

ClinVar aggregate classification (germline): Uncertain significance. Review status: criteria provided, multiple submitters, no conflicts (2 of 4 stars). 2 submissions from 2 submitters: Uncertain significance (2). Last evaluated 2024-10-16.

Conditions:
Hereditary cancer-predisposing syndrome. Also called: Hereditary Cancer Syndrome; Neoplastic Syndromes, Hereditary; Tumor predisposition; Hereditary neoplastic syndrome. Identifiers: Orphanet 140162, MedGen C0027672, MeSH D009386, MONDO:0015356.
Hereditary nonpolyposis colorectal neoplasms. Identifiers: MedGen C0009405, MeSH D003123.

Submissions (2):

Labcorp Genetics (formerly Invitae), Labcorp
Classification: Uncertain significance for Hereditary nonpolyposis colorectal neoplasms. Last evaluated: 2024-10-16. Review status: criteria provided, single submitter. Criteria: Invitae Variant Classification Sherloc (09022015). Collection method: clinical testing. Allele origin: germline.
Comment: This sequence change replaces serine, which is neutral and polar, with arginine, which is basic and polar, at codon 436 of the PMS2 protein (p.Ser436Arg). This variant is not present in population databases (gnomAD no frequency). This variant has not been reported in the literature in individuals affected with PMS2-related conditions. Invitae Evidence Modeling incorporating data from in vitro experimental studies (internal data) indicates that this missense variant is not expected to disrupt PMS2 function with a negative predictive value of 95%. In summary, the available evidence is currently insufficient to determine the role of this variant in disease. Therefore, it has been classified as a Variant of Uncertain Significance.

Ambry Genetics
Classification: Uncertain significance for Hereditary cancer-predisposing syndrome. Last evaluated: 2024-01-31. Review status: criteria provided, single submitter. Criteria: Ambry Variant Classification Scheme 2023. Collection method: clinical testing. Allele origin: germline.
Comment: The p.S436R variant (also known as c.1308C>G), located in coding exon 11 of the PMS2 gene, results from a C to G substitution at nucleotide position 1308. The serine at codon 436 is replaced by arginine, an amino acid with dissimilar properties. This amino acid position is conserved. In addition, this alteration is predicted to be tolerated by in silico analysis. Based on the available evidence, the clinical significance of this alteration remains unclear.